The following is an entry in ClinVar:

NM_000234.3(LIG1):c.691_692delinsAG (p.Phe231Ser)

Gene: LIG1 (DNA ligase 1; minus strand). Cytogenetic location: 19q13.33.
Variant type: Indel.
Coding change: c.691_692delinsAG on transcript NM_000234.3 (MANE Select); coding-DNA positions 691 to 692, TT replaced by AG.
Protein change: p.Phe231Ser; replaces phenylalanine 231 with serine.
Molecular consequence: missense variant. On other transcripts: non-coding transcript variant (6).
Genome position (GRCh38, 1-based): chr19:48,150,093-48,150,094, AA replaced by CT on the plus strand (TT replaced by AG on the coding strand, the reverse complement: LIG1 is on the minus strand). VCF-style: chr19-48150093-AA-CT. GRCh37 (hg19) VCF-style: chr19-48653350-AA-CT.
Other names: c.598_599delinsAG, p.Phe200Ser (NM_001289063.2); c.487_488delinsAG, p.Phe163Ser (NM_001289064.2); c.688_689delinsAG, p.Phe230Ser (NM_001320970.2); c.601_602delinsAG, p.Phe201Ser (NM_001320971.2); short protein forms F163S, F201S, F231S, F200S, F230S.
Identifiers: ClinVar variation 1997686 (VCV001997686.4), dbSNP rs2514240277, ClinGen allele CA2580097452.

ClinVar aggregate classification (germline): Uncertain significance (1 of 4 stars; one submission).

Submission:

Labcorp Genetics (formerly Invitae), Labcorp
Classification: Uncertain significance. Last evaluated: 2022-08-22. Review status: criteria provided, single submitter. Criteria: Invitae Variant Classification Sherloc (09022015). Collection method: clinical testing. Allele origin: germline.
Comment: Algorithms developed to predict the effect of missense changes on protein structure and function are either unavailable or do not agree on the potential impact of this missense change (SIFT: "Not Available"; PolyPhen-2: "Probably Damaging"; Align-GVGD: "Not Available"). This sequence change replaces phenylalanine, which is neutral and non-polar, with serine, which is neutral and polar, at codon 231 of the LIG1 protein (p.Phe231Ser). Information on the frequency of this variant in the gnomAD database is not available, as this variant may be reported differently in the database. This variant has not been reported in the literature in individuals affected with LIG1-related conditions. In summary, the available evidence is currently insufficient to determine the role of this variant in disease. Therefore, it has been classified as a Variant of Uncertain Significance.